The following is an entry in ClinVar:

NM_170699.3(GPBAR1):c.192G>A (p.Thr64=)

Gene: GPBAR1 (G protein-coupled bile acid receptor 1; plus strand). Cytogenetic location: 2q35.
Variant type: single nucleotide variant.
Coding change: c.192G>A on transcript NM_170699.3 (MANE Select); coding-DNA position 192, G replaced by A.
Protein change: p.Thr64=; no amino-acid change (threonine 64 retained).
Molecular consequence: synonymous variant.
Genome position (GRCh38, 1-based): chr2:218,262,916, G>A. VCF-style: chr2-218262916-G-A. GRCh37 (hg19) VCF-style: chr2-219127639-G-A.
Other names: c.192G>A, p.Thr64= (NM_001077191.2, NM_001077194.2, NM_001321950.2).
Identifiers: ClinVar variation 4990597 (VCV004990597.1).
Genomic context (GRCh38, chr2:218,262,916, plus strand): 5'-CCTGCGCAGCCCACCTGCTGGCTGCTTCTTCCTGAGCCTACTGCTGGCTGGGCTGCTCAC[G>A]GGTCTGGCATTGCCCACATTGCCAGGGCTGTGGAACCAGAGTCGCCGGGGTTACTGGTCC-3'
Protein context (NP_733800.1, residues 54-74): FLSLLLAGLL[Thr64=]GLALPTLPGL

ClinVar aggregate classification (germline): Likely benign (1 of 4 stars; one submission).

Conditions:
GPBAR1-related disorder. Also called: GPBAR1-related condition.

gnomAD v4.1: 41 of 1,613,644 alleles (0.0025%); highest among the groups gnomAD compares: East Asian, 0.0089%; no homozygotes.

Submission:

PreventionGenetics, part of Exact Sciences
Classification: Likely benign for GPBAR1-related condition. Last evaluated: 2025-03-12. Review status: criteria provided, single submitter. Criteria: ACMG Guidelines, 2015. Collection method: clinical testing. Allele origin: germline.
Comment: This variant is classified as likely benign based on ACMG/AMP sequence variant interpretation guidelines (Richards et al. 2015 PMID: 25741868, with internal and published modifications).